The following is an entry in ClinVar:

ClinVar aggregate classification (germline): Uncertain significance. Review status: criteria provided, multiple submitters, no conflicts (2 of 4 stars). 4 submissions from 4 submitters: Uncertain significance (3). 1 of the submissions does not count toward it. Last evaluated 2026-09-01.

Conditions:
Hypophosphatasia. Also called: Phosphoethanol-aminuria. Identifiers: Orphanet 436, MedGen C0020630, MeSH D007014, MONDO:0018570.

Submissions (4):

Genomenon, Inc
Classification: Uncertain significance for Hypophosphatasia. Last evaluated: 2026-09-01. Review status: criteria provided, single submitter. Criteria: Genomenon Sequence Variant Interpretation Standards - Updated. Collection method: curation. Allele origin: germline. Affected: no.
Comment: ALPL p.Gly392Ser (c.1174G>A) is a missense variant that changes the amino acid at codon 392 from Glycine to Serine. This variant has been reported in the published literature (PMID:39983296). It is absent or not present at a significant frequency in gnomAD. In silico models predict that this variant is possibly or probably damaging. In conclusion, we classify ALPL p.Gly392Ser (c.1174G>A) as a variant of uncertain significance.

Women's Health and Genetics/Laboratory Corporation of America, LabCorp
Classification: Uncertain significance. Last evaluated: 2026-01-06. Review status: criteria provided, single submitter. Criteria: LabCorp Variant Classification Summary - May 2015. Collection method: clinical testing. Allele origin: germline.
Comment: Variant summary: ALPL c.1174G>A (p.Gly392Ser) results in a non-conservative amino acid change in the encoded protein sequence. Algorithms developed to predict the effect of missense changes on protein structure and function all suggest that this variant is likely to be disruptive. The variant was absent in 251472 control chromosomes. The available data on variant occurrences in the general population are insufficient to allow any conclusion about variant significance. c.1174G>A has been observed in individual(s) affected with Hypophosphatasia without primary info and no evidence of causality was provided (Rush_2025). These report(s) do not provide unequivocal conclusions about association of the variant with Hypophosphatasia. To our knowledge, no experimental evidence demonstrating an impact on protein function has been reported. The following publication has been ascertained in the context of this evaluation (PMID: 39983296). ClinVar contains an entry for this variant (Variation ID: 958614). Based on the evidence outlined above, the variant was classified as uncertain significance.

Labcorp Genetics (formerly Invitae), Labcorp
Classification: Uncertain significance. Last evaluated: 2025-12-10. Review status: criteria provided, single submitter. Criteria: Invitae Variant Classification Sherloc (09022015). Collection method: clinical testing. Allele origin: germline.
Comment: This sequence change replaces glycine, which is neutral and non-polar, with serine, which is neutral and polar, at codon 392 of the ALPL protein (p.Gly392Ser). This variant is not present in population databases (gnomAD no frequency). This missense change has been observed in individual(s) with clinical features of ALPL-related conditions (internal data). ClinVar contains an entry for this variant (Variation ID: 958614). Invitae Evidence Modeling of protein sequence and biophysical properties (such as structural, functional, and spatial information, amino acid conservation, physicochemical variation, residue mobility, and thermodynamic stability) indicates that this missense variant is expected to disrupt ALPL protein function with a positive predictive value of 95%. In summary, the available evidence is currently insufficient to determine the role of this variant in disease. Therefore, it has been classified as a Variant of Uncertain Significance.

Natera, Inc.
Classification: Uncertain significance for Hypophosphatasia. Last evaluated: 2025-03-11. Review status: no assertion criteria provided. Collection method: clinical testing. Allele origin: germline. Not counted in ClinVar's aggregate classification.

Literature cited by the submitters: PubMed 39983296 (cited by Genomenon, Inc and Women's Health and Genetics/Laboratory Corporation of America, LabCorp).

NM_000478.6(ALPL):c.1174G>A (p.Gly392Ser)

Gene: ALPL (alkaline phosphatase, biomineralization associated; plus strand). Cytogenetic location: 1p36.12.
Variant type: single nucleotide variant.
Coding change: c.1174G>A on transcript NM_000478.6 (MANE Select); coding-DNA position 1174, G replaced by A.
Protein change: p.Gly392Ser; replaces glycine 392 with serine.
Molecular consequence: missense variant.
Genome position (GRCh38, 1-based): chr1:21,575,909, G>A. VCF-style: chr1-21575909-G-A. GRCh37 (hg19) VCF-style: chr1-21902402-G-A.
Other names: c.1009G>A, p.Gly337Ser (NM_001127501.4); c.943G>A, p.Gly315Ser (NM_001177520.3); c.1174G>A, p.Gly392Ser (NM_001369803.2, NM_001369804.2, NM_001369805.2); short protein forms G315S, G337S, G392S.
Identifiers: ClinVar variation 958614 (VCV000958614.13), dbSNP rs1644724050, ClinGen allele CA338881493.